The following is an entry in ClinVar:

ClinVar aggregate classification (germline): Uncertain significance (1 of 4 stars; one submission).

Conditions:
Peutz-Jeghers syndrome (PJS). Also called: Peutz-Jeghers polyposis; Periorificial lentiginosis syndrome; POLYPOSIS, HAMARTOMATOUS INTESTINAL; POLYPS-AND-SPOTS SYNDROME. Identifiers: Orphanet 2869, MedGen C0031269, MeSH D010580, MONDO:0008280, OMIM 175200.

Submission:

Labcorp Genetics (formerly Invitae), Labcorp
Classification: Uncertain significance for Peutz-Jeghers syndrome. Last evaluated: 2021-05-20. Review status: criteria provided, single submitter. Criteria: Invitae Variant Classification Sherloc (09022015). Collection method: clinical testing. Allele origin: germline.
Comment: This variant has not been reported in the literature in individuals with STK11-related conditions. The frequency data for this variant in the population databases is considered unreliable, as metrics indicate insufficient coverage at this position in the ExAC database. This sequence change replaces lysine with glutamine at codon 423 of the STK11 protein (p.Lys423Gln). The lysine residue is highly conserved and there is a small physicochemical difference between lysine and glutamine. Algorithms developed to predict the effect of missense changes on protein structure and function (SIFT, PolyPhen-2, Align-GVGD) all suggest that this variant is likely to be tolerated, but these predictions have not been confirmed by published functional studies and their clinical significance is uncertain. In summary, the available evidence is currently insufficient to determine the role of this variant in disease. Therefore, it has been classified as a Variant of Uncertain Significance.

NM_000455.5(STK11):c.1267A>C (p.Lys423Gln)

Gene: STK11 (serine/threonine kinase 11; plus strand). Cytogenetic location: 19p13.3.
Variant type: single nucleotide variant.
Coding change: c.1267A>C on transcript NM_000455.5 (MANE Select); coding-DNA position 1267, A replaced by C.
Protein change: p.Lys423Gln; replaces lysine 423 with glutamine.
Molecular consequence: missense variant.
Genome position (GRCh38, 1-based): chr19:1,226,612, A>C. VCF-style: chr19-1226612-A-C. GRCh37 (hg19) VCF-style: chr19-1226611-A-C.
Other names: short protein forms K423Q.
Identifiers: ClinVar variation 1369838 (VCV001369838.8), dbSNP rs1555740268, ClinGen allele CA402954126.
Genomic context (GRCh38, chr19:1,226,612, plus strand): 5'-AAATCCAGGGCGGAGGGCCGGGCCCCCAACCCTGCCCGCAAGGCCTGCTCCGCCAGCAGC[A>C]AGATCCGCCGGCTGTCGGCCTGCAAGCAGCAGTGAGGCTGGCCGCCTGCAGGTGGGGCGC-3'
Protein context (NP_000446.1, residues 413-433): PARKACSASS[Lys423Gln]IRRLSACKQQ